The following is an entry in ClinVar:

ClinVar aggregate classification (germline): Uncertain significance. Review status: criteria provided, multiple submitters, no conflicts (2 of 4 stars). 2 submissions from 2 submitters: Uncertain significance (2). Last evaluated 2025-04-22.

Conditions:
Hereditary cancer-predisposing syndrome. Also called: Hereditary neoplastic syndrome; Tumor predisposition; Neoplastic Syndromes, Hereditary; Hereditary Cancer Syndrome. Identifiers: Orphanet 140162, MedGen C0027672, MeSH D009386, MONDO:0015356.

Allele frequency attached by ClinVar (database versions not stated): TOPMed 0.00002.

Submissions (2):

Ambry Genetics
Classification: Uncertain significance for Hereditary cancer-predisposing syndrome. Last evaluated: 2025-04-22. Review status: criteria provided, single submitter. Criteria: Ambry Variant Classification Scheme 2023. Collection method: clinical testing. Allele origin: germline.
Comment: The p.C96Y variant (also known as c.287G>A), located in coding exon 3 of the FANCC gene, results from a G to A substitution at nucleotide position 287. The cysteine at codon 96 is replaced by tyrosine, an amino acid with highly dissimilar properties. This amino acid position is conserved. In addition, this alteration is predicted to be deleterious by in silico analysis. Since supporting evidence is limited at this time, the clinical significance of this alteration remains unclear.

GeneDx
Classification: Uncertain significance. Last evaluated: 2014-10-22. Review status: criteria provided, single submitter. Criteria: GeneDx Variant Classification (06012015). Collection method: clinical testing. Allele origin: germline. Affected: yes.
Comment: This variant is denoted FANCC c.287G>A at the cDNA level, p.Cys96Tyr (C96Y) at the protein level, and results in the change of a Cysteine to a Tyrosine (TGT>TAT). This variant has not, to our knowledge, been published in the literature as pathogenic or benign. FANCC Cys96Tyr was not observed in approximately 6,500 individuals of European and African American ancestry in the NHLBI Exome Sequencing Project, indicating it is not a common benign variant in these populations. Since Cysteine and Tyrosine differ in polarity, charge, size or other properties, this is considered a non-conservative amino acid substitution. FANCC Cys96Tyr occurs at a position that is highly conserved across species and is located in RED domain. In silico analyses predict that this variant is probably damaging to protein structure and function. Based on currently available information, it is unclear whether FANCC Cys96Tyr is pathogenic or benign. We consider it to be a variant of uncertain significance.

NM_000136.3(FANCC):c.287G>A (p.Cys96Tyr)

Gene: FANCC (FA complementation group C; minus strand). Cytogenetic location: 9q22.32.
Variant type: single nucleotide variant.
Coding change: c.287G>A on transcript NM_000136.3 (MANE Select); coding-DNA position 287, G replaced by A.
Protein change: p.Cys96Tyr; replaces cysteine 96 with tyrosine.
Molecular consequence: missense variant.
Genome position (GRCh38, 1-based): chr9:95,240,707, C>T on the plus strand (G>A on the coding strand, the complement: FANCC is on the minus strand). VCF-style: chr9-95240707-C-T. GRCh37 (hg19) VCF-style: chr9-98002989-C-T.
Other names: c.287G>A, p.Cys96Tyr (NM_001243743.2, NM_001243744.2); short protein forms C96Y.
Identifiers: ClinVar variation 418187 (VCV000418187.5), dbSNP rs955739738, ClinGen allele CA16618893.